The following is an entry in ClinVar:

NM_000263.4(NAGLU):c.1241A>G (p.His414Arg)

Gene: NAGLU (N-acetyl-alpha-glucosaminidase; plus strand). Cytogenetic location: 17q21.2.
Variant type: single nucleotide variant.
Coding change: c.1241A>G on transcript NM_000263.4 (MANE Select); coding-DNA position 1241, A replaced by G.
Protein change: p.His414Arg; replaces histidine 414 with arginine.
Molecular consequence: missense variant.
Genome position (GRCh38, 1-based): chr17:42,543,247, A>G. VCF-style: chr17-42543247-A-G. GRCh37 (hg19) VCF-style: chr17-40695265-A-G.
Other names: p.His414Arg; short protein forms H414R.
Identifiers: ClinVar variation 552833 (VCV000552833.20), dbSNP rs768814260, ClinGen allele CA8576984.

ClinVar aggregate classification (germline): Pathogenic/Likely pathogenic. Review status: criteria provided, multiple submitters, no conflicts (2 of 4 stars). 8 submissions from 8 submitters: Pathogenic (6); Likely pathogenic (1). 1 of the submissions does not count toward it. Last evaluated 2025-10-06.

Conditions:
Mucopolysaccharidosis, MPS-III-B (MPS3B). Also called: SANFILIPPO SYNDROME B; MPS III B; MUCOPOLYSACCHARIDOSIS, TYPE IIIB; Mucopolysaccharidosis type IIIB (Sanfilippo B); MPS IIIB (Sanfilippo Syndrome Type B); N-ACETYL-ALPHA-D-GLUCOSAMINIDASE DEFICIENCY. Identifiers: Orphanet 79270, MedGen C0086648, MONDO:0009656, OMIM 252920.
Charcot-Marie-Tooth disease axonal type 2V. Also called: CHARCOT-MARIE-TOOTH NEUROPATHY, TYPE 2V; CHARCOT-MARIE-TOOTH DISEASE, AXONAL, AUTOSOMAL DOMINANT, TYPE 2V. Identifiers: Orphanet 447964, MedGen C5569050, MONDO:0014665, OMIM 616491.

Allele frequency attached by ClinVar (database versions not stated): gnomAD 0.00001; TOPMed 0.00003; gnomAD exomes 0.00002; ExAC 0.00003.

Submissions (8):

Foundation for Research in Genetics and Endocrinology, FRIGE's Institute of Human Genetics
Classification: Pathogenic for Mucopolysaccharidosis, MPS-III-B. Last evaluated: 2025-10-06. Review status: criteria provided, single submitter. Criteria: ACMG Guidelines, 2015. Collection method: clinical testing. Allele origin: germline. Inheritance: Autosomal recessive inheritance. Affected: yes. Observed: 1 homozygote.
Comment: A homozygous missense variant in exon 6 of the NAGLU gene that results in the amino acid substitution of Arginine for Histidine at codon 414 was detected. The observed variant c.1241A>G (p.His414Arg) has not been reported in the 1000 genomes and has a minor allele frequency of 0.0024% in the gnomAD database. The in-silico prediction of the variant is deleterious by FATHMM and DANN. In summary, the variant meets our criteria to be classified as pathogenic.

Labcorp Genetics (formerly Invitae), Labcorp
Classification: Pathogenic for Charcot-Marie-Tooth disease axonal type 2V; Mucopolysaccharidosis, MPS-III-B. Last evaluated: 2025-07-21. Review status: criteria provided, single submitter. Criteria: Invitae Variant Classification Sherloc (09022015). Collection method: clinical testing. Allele origin: germline.
Comment: This sequence change replaces histidine, which is basic and polar, with arginine, which is basic and polar, at codon 414 of the NAGLU protein (p.His414Arg). This variant is present in population databases (rs768814260, gnomAD 0.008%). This missense change has been observed in individual(s) with mucopolysaccharidosis type IIIB (PMID: 14984474, 22976768). In at least one individual the data is consistent with being in trans (on the opposite chromosome) from a pathogenic variant. ClinVar contains an entry for this variant (Variation ID: 552833). Invitae Evidence Modeling of protein sequence and biophysical properties (such as structural, functional, and spatial information, amino acid conservation, physicochemical variation, residue mobility, and thermodynamic stability) has been performed for this missense variant. However, the output from this modeling did not meet the statistical confidence thresholds required to predict the impact of this variant on NAGLU protein function. Experimental studies have shown that this missense change affects NAGLU function (PMID: 14984474). For these reasons, this variant has been classified as Pathogenic.

Natera, Inc.
Classification: Pathogenic for Mucopolysaccharidosis type IIIB. Last evaluated: 2025-05-21. Review status: criteria provided, single submitter. Criteria: Natera Variant Classification Schema (03/2026). Collection method: clinical testing. Allele origin: germline.
Comment: The c.1241A>G variant in NAGLU is a missense variant predicted to cause substitution of histidine to arginine at amino acid 414. This variant is rare in the general population with a frequency below the threshold expected for the associated phenotype(s). This variant has been observed in one or more individuals affected with the associated recessive disease, as either homozygous or compound heterozygous with a second variant (PMID: 14984474). Given the available evidence, this variant is classified as Pathogenic.

Laboratory of Medical Genetics, National & Kapodistrian University of Athens
Classification: Pathogenic for Mucopolysaccharidosis, MPS-III-B. Last evaluated: 2024-02-01. Review status: criteria provided, single submitter. Criteria: ACMG Guidelines, 2015. Collection method: curation. Allele origin: germline. Affected: no.

GeneDx
Classification: Pathogenic. Last evaluated: 2023-10-19. Review status: criteria provided, single submitter. Criteria: GeneDx Variant Classification Process June 2021. Collection method: clinical testing. Allele origin: germline.
Comment: Published functional studies found this variant is associated with significantly reduced enzyme activity (PMID: 29979746, 14984474); Not observed at a significant frequency in large population cohorts (gnomAD); This variant is associated with the following publications: (PMID: 16151907, 22976768, 30222014, 10094189, 29979746, 31980526, 30809705, 14984474, 30070758, 11668611, 29661560, 27590925, 21204211, 33578874)

Women's Health and Genetics/Laboratory Corporation of America, LabCorp
Classification: Pathogenic for Mucopolysaccharidosis, MPS-III-B. Last evaluated: 2023-02-14. Review status: criteria provided, single submitter. Criteria: LabCorp Variant Classification Summary - May 2015. Collection method: clinical testing. Allele origin: germline.
Comment: Variant summary: NAGLU c.1241A>G (p.His414Arg) results in a non-conservative amino acid change located in the Alpha-N-acetylglucosaminidase, tim-barrel domain (IPR024733) of the encoded protein sequence. Three of five in-silico tools predict a benign effect of the variant on protein function. The variant allele was found at a frequency of 2.4e-05 in 251322 control chromosomes (gnomAD). c.1241A>G has been reported in the literature as a biallelic genotype in multiple individuals affected with Mucopolysaccharidosis Type IIIB (Sanfilippo Syndrome B, e.g. Weber_1999, Beesley_2004). These data indicate that the variant is very likely to be associated with disease. The variant was also confirmed to have loss-of-function in vitro, with nearly absent NAGLU activity (e.g. Beesley_2004, Clark_2018). Four ClinVar submitters have assessed the variant since 2014: one classified the variant as likely pathogenic, and three as pathogenic. Based on the evidence outlined above, the variant was classified as pathogenic.

Laboratory of Diagnosis and Therapy of Lysosomal Disorders, University of Padova
Classification: Likely pathogenic for Mucopolysaccharidosis, MPS-III-B. Last evaluated: 2019-01-01. Review status: criteria provided, single submitter. Criteria: ACMG Guidelines, 2015. Collection method: literature only. Allele origin: germline. Affected: yes.
Comment: PS3: Low in vitro enzymatic activity. PM2: Very low frequency in GnomAD

Counsyl
Classification: Pathogenic for Mucopolysaccharidosis, MPS-III-B. Last evaluated: 2017-07-11. Review status: no assertion criteria provided. Collection method: clinical testing. Allele origin: unknown. Not counted in ClinVar's aggregate classification.

Literature cited by the submitters: PubMed 14984474 (cited by 5 submitters); PubMed 22976768 (cited by Labcorp Genetics (formerly Invitae), Labcorp and Counsyl); PubMed 10094189 (cited by 3 submitters); PubMed 29979746 (cited by Women's Health and Genetics/Laboratory Corporation of America, LabCorp); PubMed 16151907 (cited by Laboratory of Diagnosis and Therapy of Lysosomal Disorders, University of Padova and Counsyl); PubMed 30809705 (cited by Laboratory of Diagnosis and Therapy of Lysosomal Disorders, University of Padova); PubMed 21204211 (cited by Counsyl).